The following is an entry in ClinVar:

NM_007103.4(NDUFV1):c.175C>T (p.Arg59Ter)

Gene: NDUFV1 (NADH:ubiquinone oxidoreductase core subunit V1; plus strand). Cytogenetic location: 11q13.2.
Variant type: single nucleotide variant.
Coding change: c.175C>T on transcript NM_007103.4 (MANE Select); coding-DNA position 175, C replaced by T.
Protein change: p.Arg59Ter; replaces arginine 59 with a stop codon.
Molecular consequence: nonsense.
Genome position (GRCh38, 1-based): chr11:67,608,571, C>T. VCF-style: chr11-67608571-C-T. GRCh37 (hg19) VCF-style: chr11-67376042-C-T.
Other names: c.148C>T, p.Arg50Ter (NM_001166102.2); short protein forms R59*, R50*.
Identifiers: ClinVar variation 14057 (VCV000014057.17), dbSNP rs768050261, ClinGen allele CA082750.
Genomic context (GRCh38, chr11:67,608,571, plus strand): 5'-GAGCAAGGTGTCCCCTTCATTGCCTTCCCTATTCTGTCCAGGCTGAAAGGTTCCCTGAGT[C>T]GAGGTGACTGGTACAAGACAAAGGAGATCCTGCTGAAGGGGCCCGACTGGATCCTGGGCG-3'

ClinVar aggregate classification (germline): Pathogenic. Review status: criteria provided, multiple submitters, no conflicts (2 of 4 stars). 8 submissions from 8 submitters: Pathogenic (7). 1 of the submissions does not count toward it. Last evaluated 2025-02-16.

Conditions:
Mitochondrial complex I deficiency, nuclear type 4. Also called: Mitochondrial complex 1 deficiency, nuclear type 4. Identifiers: MedGen C4748753, MONDO:0032609, OMIM 618225.
Leigh syndrome (NULS). Also called: Leigh's syndrome; Necrotizing encephalopathy infantile subacute of Leigh; Leigh's necrotizing encephalopathy; Leigh's disease; Leigh Disease; Subacute necrotizing encephalopathy. Identifiers: Orphanet 506, MedGen C2931891, MONDO:0009723, OMIM 256000.

Allele frequency attached by ClinVar (database versions not stated): gnomAD exomes 0.00002; TOPMed 0.00001; ExAC 0.00002.
gnomAD v4.1: 20 of 1,614,134 alleles (0.0012%); highest among the groups gnomAD compares: East Asian, 0.0045%; no homozygotes.

Submissions (8):

Laboratory of Genetics, Children's Clinical University Hospital Latvia
Classification: Pathogenic. Last evaluated: 2025-02-16. Review status: criteria provided, single submitter. Criteria: ACMG Guidelines, 2015. Collection method: clinical testing. Allele origin: germline. Affected: yes.

Labcorp Genetics (formerly Invitae), Labcorp
Classification: Pathogenic. Last evaluated: 2024-01-04. Review status: criteria provided, single submitter. Criteria: Invitae Variant Classification Sherloc (09022015). Collection method: clinical testing. Allele origin: germline.
Comment: This sequence change creates a premature translational stop signal (p.Arg59*) in the NDUFV1 gene. It is expected to result in an absent or disrupted protein product. Loss-of-function variants in NDUFV1 are known to be pathogenic (PMID: 10080174, 11349233). This variant is present in population databases (rs768050261, gnomAD 0.004%). This premature translational stop signal has been observed in individual(s) with complex I deficiency (PMID: 10080174). In at least one individual the data is consistent with being in trans (on the opposite chromosome) from a pathogenic variant. It has also been observed to segregate with disease in related individuals. ClinVar contains an entry for this variant (Variation ID: 14057). For these reasons, this variant has been classified as Pathogenic.

Fulgent Genetics
Classification: Pathogenic for Mitochondrial complex I deficiency, nuclear type 4. Last evaluated: 2021-10-21. Review status: criteria provided, single submitter. Criteria: ACMG Guidelines, 2015. Collection method: clinical testing. Allele origin: unknown.

Women's Health and Genetics/Laboratory Corporation of America, LabCorp
Classification: Pathogenic for Leigh syndrome. Last evaluated: 2021-05-01. Review status: criteria provided, single submitter. Criteria: LabCorp Variant Classification Summary - May 2015. Collection method: clinical testing. Allele origin: germline.
Comment: Variant summary: NDUFV1 c.175C>T (p.Arg59X) results in a premature termination codon, predicted to cause a truncation of the encoded protein or absence of the protein due to nonsense mediated decay, which are commonly known mechanisms for disease. The variant allele was found at a frequency of 2e-05 in 251496 control chromosomes. c.175C>T has been reported in the literature in at-least two individuals from a family affected with features of Leigh Syndrome and these patients their genotype has been subsequently cited by others (example, Schuelke_1999, Ortega-Recalde_2013, Dinwiddie_2013, Bjorkman_2015, Srivastava_2018). These data indicate that the variant may be associated with disease. To our knowledge, no experimental evidence demonstrating an impact on protein function has been reported. One clinical diagnostic laboratory has submitted clinical-significance assessments for this variant to ClinVar after 2014 without evidence for independent evaluation and classified the variant as pathogenic. Based on the evidence outlined above, the variant was classified as pathogenic.

GeneDx
Classification: Pathogenic. Last evaluated: 2019-10-31. Review status: criteria provided, single submitter. Criteria: GeneDx Variant Classification Process June 2021. Collection method: clinical testing. Allele origin: germline. Affected: yes.
Comment: Nonsense variant predicted to result in protein truncation or nonsense mediated decay in a gene for which loss-of-function is a known mechanism of disease; Not observed at a significant frequency in large population cohorts (Lek et al., 2016); This variant is associated with the following publications: (PMID: 25525159, 10080174, 23562761, 21696386)

Revvity Omics, Revvity
Classification: Pathogenic for Mitochondrial complex I deficiency, nuclear type 4. Last evaluated: 2019-07-02. Review status: criteria provided, single submitter. Criteria: ACMG Guidelines, 2015. Collection method: clinical testing. Allele origin: germline.

Juno Genomics, Hangzhou Juno Genomics, Inc
Classification: Pathogenic for Mitochondrial complex I deficiency, nuclear type 4. Review status: criteria provided, single submitter. Criteria: ACMG Guidelines, 2015. Collection method: clinical testing. Allele origin: germline.
Comment: Absent from controls (or at extremely low frequency if recessive) in Genome Aggregation Database.;Null variant in a gene where loss of function (LOF) is a known mechanism of disease.;For recessive disorders, detected in trans with a pathogenic variant.

OMIM
Classification: Pathogenic for MITOCHONDRIAL COMPLEX I DEFICIENCY, NUCLEAR TYPE 4. Last evaluated: 1999-03-01. Review status: no assertion criteria provided. Collection method: literature only. Allele origin: germline. Not counted in ClinVar's aggregate classification.

Literature cited by the submitters: PubMed 10080174 (cited by 3 submitters); PubMed 11349233 (cited by Labcorp Genetics (formerly Invitae), Labcorp); PubMed 25615419 (cited by Women's Health and Genetics/Laboratory Corporation of America, LabCorp); PubMed 23631824 (cited by Women's Health and Genetics/Laboratory Corporation of America, LabCorp); PubMed 23562761 (cited by Women's Health and Genetics/Laboratory Corporation of America, LabCorp); PubMed 29976978 (cited by Women's Health and Genetics/Laboratory Corporation of America, LabCorp).